The following is an entry in ClinVar:

NM_000836.4(GRIN2D):c.2740C>T (p.Pro914Ser)

Gene: GRIN2D (glutamate ionotropic receptor NMDA type subunit 2D; plus strand). Cytogenetic location: 19q13.33.
Variant type: single nucleotide variant.
Coding change: c.2740C>T on transcript NM_000836.4 (MANE Select); coding-DNA position 2740, C replaced by T.
Protein change: p.Pro914Ser; replaces proline 914 with serine.
Molecular consequence: missense variant.
Genome position (GRCh38, 1-based): chr19:48,442,666, C>T. VCF-style: chr19-48442666-C-T. GRCh37 (hg19) VCF-style: chr19-48945923-C-T.
Other names: short protein forms P914S.
Identifiers: ClinVar variation 1964420 (VCV001964420.5), dbSNP rs1296113196, ClinGen allele CA406671389.

ClinVar aggregate classification (germline): Uncertain significance (1 of 4 stars; one submission).

gnomAD v4.1: 2 of 1,425,566 alleles (0.00014%); highest among the groups gnomAD compares: Admixed American, 0.0026%; no homozygotes.

Submission:

Labcorp Genetics (formerly Invitae), Labcorp
Classification: Uncertain significance. Last evaluated: 2024-08-19. Review status: criteria provided, single submitter. Criteria: Invitae Variant Classification Sherloc (09022015). Collection method: clinical testing. Allele origin: germline.
Comment: This sequence change replaces proline, which is neutral and non-polar, with serine, which is neutral and polar, at codon 914 of the GRIN2D protein (p.Pro914Ser). This variant is not present in population databases (gnomAD no frequency). This variant has not been reported in the literature in individuals affected with GRIN2D-related conditions. ClinVar contains an entry for this variant (Variation ID: 1964420). Invitae Evidence Modeling of protein sequence and biophysical properties (such as structural, functional, and spatial information, amino acid conservation, physicochemical variation, residue mobility, and thermodynamic stability) indicates that this missense variant is not expected to disrupt GRIN2D protein function with a negative predictive value of 95%. In summary, the available evidence is currently insufficient to determine the role of this variant in disease. Therefore, it has been classified as a Variant of Uncertain Significance.